The following is an entry in ClinVar:

NM_024577.4(SH3TC2):c.*20099T>C

Genes: SH3TC2 (SH3 domain and tetratricopeptide repeats 2; minus strand), LOC126807546 (P300/CBP strongly-dependent group 1 enhancer GRCh37_chr5:148363540-148364739; plus strand). Cytogenetic location: 5q32.
Variant type: single nucleotide variant.
Coding change: c.*20099T>C on transcript NM_024577.4 (MANE Select); 20099 bases downstream of the stop codon, T replaced by C.
Molecular consequence: 3 prime UTR variant.
Genome position (GRCh38, 1-based): chr5:148,984,612, A>G on the plus strand (T>C on the coding strand, the complement: SH3TC2 is on the minus strand). VCF-style: chr5-148984612-A-G. GRCh37 (hg19) VCF-style: chr5-148364175-A-G.
Identifiers: ClinVar variation 905265 (VCV000905265.4), dbSNP rs73795728, ClinGen allele CA128985034.
Genomic context (GRCh38, chr5:148,984,612, plus strand): 5'-GACTAAGTCGAAACCCCTGACTCAGTCTTCTGCCTCACTCTGGACTAGGCAATGCTTCAT[A>G]TATCTCCAAGGTTGGTCTTTCAGGTTGGCATATAGGAAGGAATTTGTCAGCATGTATCCC-3'

ClinVar aggregate classification (germline): Likely benign. Review status: criteria provided, single submitter (1 of 4 stars). 2 submissions from 1 submitter: Likely benign (2). Last evaluated 2017-04-28.

Conditions:
Susceptibility to mononeuropathy of the median nerve, mild. Also called: CARPAL TUNNEL SYNDROME, SUSCEPTIBILITY TO. Identifiers: MedGen C3150596, MONDO:0013237, OMIM 613353.
Charcot-Marie-Tooth disease type 4C (CMT4C). Also called: CHARCOT-MARIE-TOOTH DISEASE, DEMYELINATING, TYPE 4C; SH3TC2-Related Hereditary Motor and Sensory Neuropathy; Charcot-Marie-Tooth Neuropathy Type 4C (CMT4C); CHARCOT-MARIE-TOOTH DISEASE, DEMYELINATING, AUTOSOMAL RECESSIVE, TYPE 4C; CMT 4C. Identifiers: Orphanet 99949, MedGen C1866636, MONDO:0011113, OMIM 601596.

Allele frequency attached by ClinVar (database versions not stated): 1000 Genomes Project 0.01418; 1000 Genomes Project 30x 0.01530; TOPMed 0.01846.

Submissions (2):

Illumina Laboratory Services, Illumina
Classification: Likely benign for Charcot-Marie-Tooth disease type 4C. Last evaluated: 2017-04-28. Review status: criteria provided, single submitter. Criteria: ICSL Variant Classification Criteria 13 December 2019. Collection method: clinical testing. Allele origin: germline.
Comment: This variant was observed as part of a predisposition screen in an ostensibly healthy population. A literature search was performed for the gene, cDNA change, and amino acid change (where applicable). No publications were found based on this search. Allele frequency data from public databases allowed determination this variant is unlikely to cause disease. Therefore, this variant is classified as likely benign.

Illumina Laboratory Services, Illumina
Classification: Likely benign for Susceptibility to mononeuropathy of the median nerve, mild. Last evaluated: 2017-04-28. Review status: criteria provided, single submitter. Criteria: ICSL Variant Classification Criteria 13 December 2019. Collection method: clinical testing. Allele origin: germline.
Comment: the same text as in the submission from Illumina Laboratory Services, Illumina above.